The following is an entry in ClinVar:

ClinVar aggregate classification (germline): Uncertain significance. Review status: criteria provided, multiple submitters, no conflicts (2 of 4 stars). 2 submissions from 2 submitters: Uncertain significance (2). Last evaluated 2025-11-11.

Conditions:
Hereditary cancer-predisposing syndrome. Also called: Hereditary neoplastic syndrome; Tumor predisposition; Hereditary Cancer Syndrome; Neoplastic Syndromes, Hereditary. Identifiers: Orphanet 140162, MedGen C0027672, MeSH D009386, MONDO:0015356.
POLD1-related polyposis and colorectal cancer syndrome (CRCS10). Also called: Colorectal cancer, susceptibility to, 10; Colorectal cancer 10; COLORECTAL CANCER, SUSCEPTIBILITY TO, ON CHROMOSOME 19q. Identifiers: Orphanet 220460, MedGen C2675481, MONDO:0012953, OMIM 612591.

Allele frequency attached by ClinVar (database versions not stated): gnomAD exomes below 0.00001; TOPMed below 0.00001.
gnomAD v4.1: 2 of 1,612,682 alleles (0.00012%); highest among the groups gnomAD compares: African/African-American, 0.0013%; no homozygotes.

Submissions (2):

Ambry Genetics
Classification: Uncertain significance for Hereditary cancer-predisposing syndrome. Last evaluated: 2025-11-11. Review status: criteria provided, single submitter. Criteria: Ambry Variant Classification Scheme 2023. Collection method: clinical testing. Allele origin: germline.
Comment: The p.E770D variant (also known as c.2310G>C), located in coding exon 18 of the POLD1 gene, results from a G to C substitution at nucleotide position 2310. The glutamic acid at codon 770 is replaced by aspartic acid, an amino acid with highly similar properties. This amino acid position is conserved. In addition, this alteration is predicted to be tolerated by in silico analysis. Since supporting evidence is limited at this time, the clinical significance of this alteration remains unclear.

Labcorp Genetics (formerly Invitae), Labcorp
Classification: Uncertain significance for POLD1-related polyposis and colorectal cancer syndrome. Last evaluated: 2024-08-19. Review status: criteria provided, single submitter. Criteria: Invitae Variant Classification Sherloc (09022015). Collection method: clinical testing. Allele origin: germline.
Comment: This sequence change replaces glutamic acid, which is acidic and polar, with aspartic acid, which is acidic and polar, at codon 770 of the POLD1 protein (p.Glu770Asp). This variant is not present in population databases (gnomAD no frequency). This variant has not been reported in the literature in individuals affected with POLD1-related conditions. ClinVar contains an entry for this variant (Variation ID: 639958). Invitae Evidence Modeling of protein sequence and biophysical properties (such as structural, functional, and spatial information, amino acid conservation, physicochemical variation, residue mobility, and thermodynamic stability) indicates that this missense variant is not expected to disrupt POLD1 protein function with a negative predictive value of 80%. In summary, the available evidence is currently insufficient to determine the role of this variant in disease. Therefore, it has been classified as a Variant of Uncertain Significance.

NM_002691.4(POLD1):c.2310G>C (p.Glu770Asp)

Gene: POLD1 (DNA polymerase delta 1, catalytic subunit; plus strand). Cytogenetic location: 19q13.33.
Variant type: single nucleotide variant.
Coding change: c.2310G>C on transcript NM_002691.4 (MANE Select); coding-DNA position 2310, G replaced by C.
Protein change: p.Glu770Asp; replaces glutamic acid 770 with aspartic acid.
Molecular consequence: missense variant. On other transcripts: non-coding transcript variant (1).
Genome position (GRCh38, 1-based): chr19:50,413,801, G>C. VCF-style: chr19-50413801-G-C. GRCh37 (hg19) VCF-style: chr19-50917058-G-C.
Other names: c.2310G>C, p.Glu770Asp (NM_001256849.1); c.2388G>C, p.Glu796Asp (NM_001308632.1); c.2310G>C (NM_002691.2); short protein forms E796D, E770D.
Identifiers: ClinVar variation 639958 (VCV000639958.10), dbSNP rs1601238697, ClinGen allele CA406984125.